The following is an entry in ClinVar:

ClinVar aggregate classification (germline): Likely benign. Review status: criteria provided, multiple submitters, no conflicts (2 of 4 stars). 2 submissions from 2 submitters: Likely benign (2). Last evaluated 2022-09-01.

Conditions:
Dilated cardiomyopathy 1G (CMD1G). Identifiers: Orphanet 154, MedGen C1858763, MONDO:0011400, OMIM 604145.
Autosomal recessive limb-girdle muscular dystrophy type 2J (LGMDR10). Also called: Limb-girdle muscular dystrophy, type 2J; MUSCULAR DYSTROPHY, LIMB-GIRDLE, AUTOSOMAL RECESSIVE 10. Identifiers: Orphanet 140922, MedGen C1837342, MONDO:0012127, OMIM 608807.

Allele frequency attached by ClinVar (database versions not stated): gnomAD exomes below 0.00001.
gnomAD v4.1: 1 of 1,614,114 alleles (0.000062%); highest among the groups gnomAD compares: Non-Finnish European, 0.000085%; no homozygotes.

Submissions (2):

CeGaT Center for Human Genetics Tuebingen
Classification: Likely benign. Last evaluated: 2022-09-01. Review status: criteria provided, single submitter. Criteria: CeGaT Center For Human Genetics Tuebingen Variant Classification Criteria Version 2. Collection method: clinical testing. Allele origin: germline. Affected: yes. Observed: 1 variant allele.
Comment: TTN: PM2:Supporting, BP4, BP7

Labcorp Genetics (formerly Invitae), Labcorp
Classification: Likely benign for Dilated cardiomyopathy 1G; Autosomal recessive limb-girdle muscular dystrophy type 2J. Last evaluated: 2022-08-22. Review status: criteria provided, single submitter. Criteria: Invitae Variant Classification Sherloc (09022015). Collection method: clinical testing. Allele origin: germline.

NM_001267550.2(TTN):c.5019A>C (p.Ala1673=)

Gene: TTN (titin; minus strand). Cytogenetic location: 2q31.2.
Variant type: single nucleotide variant.
Coding change: c.5019A>C on transcript NM_001267550.2 (MANE Select); coding-DNA position 5019, A replaced by C.
Protein change: p.Ala1673=; no amino-acid change (alanine 1673 retained).
Molecular consequence: synonymous variant.
Genome position (GRCh38, 1-based): chr2:178,776,845, T>G on the plus strand (A>C on the coding strand, the complement: TTN is on the minus strand). VCF-style: chr2-178776845-T-G. GRCh37 (hg19) VCF-style: chr2-179641572-T-G.
Other names: c.5019A>C, p.Ala1673= (NM_001256850.1, NM_133378.4, NM_133379.5); c.4881A>C, p.Ala1627= (NM_003319.4, NM_133432.3, NM_133437.4).
Identifiers: ClinVar variation 2117803 (VCV002117803.28), dbSNP rs2532900029, ClinGen allele CA430281224.